The following is an entry in ClinVar:

ClinVar aggregate classification (germline): Likely pathogenic (1 of 4 stars; one submission).

Conditions:
Spondylocostal dysostosis 2, autosomal recessive (SCDO2). Also called: MESP2-Related Spondylocostal Dysostosis, Autosomal Recessive; Spondylocostal dysostosis type 2. Identifiers: Orphanet 2311, MedGen C1837549, MONDO:0012097, OMIM 608681.

Submission:

Natera, Inc.
Classification: Likely pathogenic for Spondylocostal dysostosis type 2. Last evaluated: 2025-11-14. Review status: criteria provided, single submitter. Criteria: Natera Variant Classification Schema (03/2026). Collection method: clinical testing. Allele origin: germline.
Comment: The c.560_561insCAGGGGCAAGG variant in MESP2 is a frameshift variant predicted to elongate the protein beyond the termination codon. This variant is expected to result in nonsense mediated decay, truncation, or a dysfunctional protein product. This variant is rare in the general population with a frequency below the threshold expected for the associated phenotype(s). Given the available evidence, this variant is classified as Likely Pathogenic.

NM_001039958.2(MESP2):c.560_561insCAGGGGCAAGG (p.Gln188fs)

Gene: MESP2 (mesoderm posterior bHLH transcription factor 2; plus strand). Cytogenetic location: 15q26.1.
Variant type: Insertion.
Coding change: c.560_561insCAGGGGCAAGG on transcript NM_001039958.2 (MANE Select); coding-DNA positions 560 to 561, CAGGGGCAAGG inserted.
Protein change: p.Gln188fs; shifts the reading frame from glutamine 188.
Molecular consequence: frameshift variant.
Genome position: GRCh38 VCF-style: chr15-89776915-G-GGGCAGGGGCAA. GRCh37 (hg19) VCF-style: chr15-90320146-G-GGGCAGGGGCAA.
Other names: short protein forms Q188fs.
Identifiers: ClinVar variation 4814574 (VCV004814574.1).
Genomic context (GRCh38, chr15:89,776,915, plus strand): 5'-CGACCGTGGCCCCGCAGAGGCGCAGACGCAGGCGGAGGGGCAGGGGCAAGGGCAGGGGCA[G>GGGCAGGGGCAA]GGGCAGGGGCAAGGGCAGGGGCAAGGACAGGGGCAAGGACAGGGGCAAGGGCAGGGGCGC-3'